The following is an entry in ClinVar:

ClinVar aggregate classification (germline): Uncertain significance (1 of 4 stars; one submission).

Conditions:
Idiopathic generalized epilepsy. Also called: Generalised epilepsy; EIG. Identifiers: MedGen C0270850, MONDO:0005579, OMIM 600669.
Hyperaldosteronism, familial, type IV (HALD4). Also called: FH IV; ALDOSTERONISM, PRIMARY, AND HYPERTENSION. Identifiers: Orphanet 642671, MedGen C4310756, MONDO:0014875, OMIM 617027.

Submission:

Labcorp Genetics (formerly Invitae), Labcorp
Classification: Uncertain significance for Idiopathic generalized epilepsy; Hyperaldosteronism, familial, type IV. Last evaluated: 2022-02-05. Review status: criteria provided, single submitter. Criteria: Invitae Variant Classification Sherloc (09022015). Collection method: clinical testing. Allele origin: germline.
Comment: Experimental studies and prediction algorithms are not available or were not evaluated, and the functional significance of this variant is currently unknown. In summary, the available evidence is currently insufficient to determine the role of this variant in disease. Therefore, it has been classified as a Variant of Uncertain Significance. This variant has not been reported in the literature in individuals affected with CACNA1H-related conditions. This variant is not present in population databases (gnomAD no frequency). This sequence change creates a premature translational stop signal (p.Glu2334*) in the CACNA1H gene. While this is not anticipated to result in nonsense mediated decay, it is expected to disrupt the last 20 amino acid(s) of the CACNA1H protein.

NM_021098.3(CACNA1H):c.7000G>T (p.Glu2334Ter)

Gene: CACNA1H (calcium voltage-gated channel subunit alpha1 H; plus strand). Cytogenetic location: 16p13.3.
Variant type: single nucleotide variant.
Coding change: c.7000G>T on transcript NM_021098.3 (MANE Select); coding-DNA position 7000, G replaced by T.
Protein change: p.Glu2334Ter; replaces glutamic acid 2334 with a stop codon.
Molecular consequence: nonsense.
Genome position (GRCh38, 1-based): chr16:1,220,932, G>T. VCF-style: chr16-1220932-G-T. GRCh37 (hg19) VCF-style: chr16-1270932-G-T.
Other names: c.6982G>T, p.Glu2328Ter (NM_001005407.2); short protein forms E2328*, E2334*.
Identifiers: ClinVar variation 1968674 (VCV001968674.5), dbSNP rs1203994251, ClinGen allele CA394151551.
Genomic context (GRCh38, chr16:1,220,932, plus strand): 5'-GTCGGTGACCCCCCAGAGAAGAGGCGGGGGCTGTACCTCACAGTCCCCCAGTGTCCTCTG[G>T]AGAAACCAGGGTCCCCCTCAGCCACCCCTGCCCCAGGGGGTGGTGCAGATGACCCCGTGT-3'